The following is an entry in ClinVar:

NM_014806.5(RUSC2):c.1823T>A (p.Leu608Gln)

Gene: RUSC2 (RUN and SH3 domain containing 2; plus strand). Cytogenetic location: 9p13.3.
Variant type: single nucleotide variant.
Coding change: c.1823T>A on transcript NM_014806.5 (MANE Select); coding-DNA position 1823, T replaced by A.
Protein change: p.Leu608Gln; replaces leucine 608 with glutamine.
Molecular consequence: missense variant. On other transcripts: intron variant (1).
Genome position (GRCh38, 1-based): chr9:35,548,344, T>A. VCF-style: chr9-35548344-T-A. GRCh37 (hg19) VCF-style: chr9-35548341-T-A.
Other names: c.1823T>A, p.Leu608Gln (NM_001135999.2); c.-620-6716T>A (NM_001330740.2); short protein forms L608Q.
Identifiers: ClinVar variation 1406207 (VCV001406207.8), dbSNP rs2132555132, ClinGen allele CA373336032.

ClinVar aggregate classification (germline): Uncertain significance (1 of 4 stars; one submission).

Submission:

Labcorp Genetics (formerly Invitae), Labcorp
Classification: Uncertain significance. Last evaluated: 2021-07-17. Review status: criteria provided, single submitter. Criteria: Invitae Variant Classification Sherloc (09022015). Collection method: clinical testing. Allele origin: germline.
Comment: This variant has not been reported in the literature in individuals affected with RUSC2-related conditions. This variant is not present in population databases (ExAC no frequency). This sequence change replaces leucine with glutamine at codon 608 of the RUSC2 protein (p.Leu608Gln). The leucine residue is moderately conserved and there is a moderate physicochemical difference between leucine and glutamine. In summary, the available evidence is currently insufficient to determine the role of this variant in disease. Therefore, it has been classified as a Variant of Uncertain Significance. Algorithms developed to predict the effect of missense changes on protein structure and function output the following: SIFT: "Tolerated"; PolyPhen-2: "Benign"; Align-GVGD: "Class C0". The glutamine amino acid residue is found in multiple mammalian species, which suggests that this missense change does not adversely affect protein function.